The following is an entry in ClinVar:

ClinVar aggregate classification (germline): Likely benign. Review status: criteria provided, multiple submitters, no conflicts (2 of 4 stars). 4 submissions from 4 submitters: Likely benign (4). Last evaluated 2025-05-08.

Conditions:
Familial thoracic aortic aneurysm and aortic dissection (TAAD). Also called: Thoracic aortic aneurysms and dissections. Identifiers: Orphanet 91387, MedGen C4707243, MONDO:0019625.
Aortic aneurysm, familial thoracic 4 (AAT4). Also called: AORTIC ANEURYSM/AORTIC DISSECTION AND PATENT DUCTUS ARTERIOSUS. Identifiers: MedGen C1851504, MONDO:0007568, OMIM 132900.

Allele frequency attached by ClinVar (database versions not stated): gnomAD below 0.00001; gnomAD exomes 0.00002; TOPMed 0.00003; 1000 Genomes Project 30x 0.00016.
gnomAD v4.1: 29 of 1,613,924 alleles (0.0018%); highest among the groups gnomAD compares: South Asian, 0.016%; no homozygotes.

Submissions (4):

Labcorp Genetics (formerly Invitae), Labcorp
Classification: Likely benign for Aortic aneurysm, familial thoracic 4. Last evaluated: 2025-05-08. Review status: criteria provided, single submitter. Criteria: Invitae Variant Classification Sherloc (09022015). Collection method: clinical testing. Allele origin: germline.

Ambry Genetics
Classification: Likely benign for Familial thoracic aortic aneurysm and aortic dissection. Last evaluated: 2022-07-08. Review status: criteria provided, single submitter. Criteria: Ambry Variant Classification Scheme 2023. Collection method: clinical testing. Allele origin: germline.

Color Diagnostics, LLC DBA Color Health
Classification: Likely benign for Familial thoracic aortic aneurysm and aortic dissection. Last evaluated: 2018-12-10. Review status: criteria provided, single submitter. Criteria: ACMG Guidelines, 2015. Collection method: clinical testing. Allele origin: germline.

GeneDx
Classification: Likely benign. Last evaluated: 2015-12-08. Review status: criteria provided, single submitter. Criteria: GeneDx Variant Classification (06012015). Collection method: clinical testing. Allele origin: germline. Affected: yes.
Comment: This variant is considered likely benign or benign based on one or more of the following criteria: it is a conservative change, it occurs at a poorly conserved position in the protein, it is predicted to be benign by multiple in silico algorithms, and/or has population frequency not consistent with disease.

NM_002474.3(MYH11):c.3195C>T (p.Ser1065=)

Gene: MYH11 (myosin heavy chain 11; minus strand). Cytogenetic location: 16p13.11.
Variant type: single nucleotide variant.
Coding change: c.3195C>T on transcript NM_002474.3 (MANE Select); coding-DNA position 3195, C replaced by T.
Protein change: p.Ser1065=; no amino-acid change (serine 1065 retained).
Molecular consequence: synonymous variant.
Genome position (GRCh38, 1-based): chr16:15,737,547, G>A on the plus strand (C>T on the coding strand, the complement: MYH11 is on the minus strand). VCF-style: chr16-15737547-G-A. GRCh37 (hg19) VCF-style: chr16-15831404-G-A.
Other names: c.3216C>T, p.Ser1072= (NM_001040113.2, NM_001040114.2); c.3195C>T, p.Ser1065= (NM_022844.3).
Identifiers: ClinVar variation 382168 (VCV000382168.13), dbSNP rs202136377, ClinGen allele CA7922066.